The following is an entry in ClinVar:

ClinVar aggregate classification (germline): Uncertain significance (1 of 4 stars; one submission).

Allele frequency attached by ClinVar (database versions not stated): gnomAD exomes below 0.00001.

Submission:

Labcorp Genetics (formerly Invitae), Labcorp
Classification: Uncertain significance. Last evaluated: 2021-12-10. Review status: criteria provided, single submitter. Criteria: Invitae Variant Classification Sherloc (09022015). Collection method: clinical testing. Allele origin: germline.
Comment: This variant has not been reported in the literature in individuals affected with PCNT-related conditions. This sequence change replaces glycine, which is neutral and non-polar, with arginine, which is basic and polar, at codon 144 of the PCNT protein (p.Gly144Arg). This variant is not present in population databases (gnomAD no frequency). Algorithms developed to predict the effect of missense changes on protein structure and function are either unavailable or do not agree on the potential impact of this missense change (SIFT: "Tolerated"; PolyPhen-2: "Probably Damaging"; Align-GVGD: "Class C0"). In summary, the available evidence is currently insufficient to determine the role of this variant in disease. Therefore, it has been classified as a Variant of Uncertain Significance.

NM_006031.6(PCNT):c.430G>A (p.Gly144Arg)

Gene: PCNT (pericentrin; plus strand). Cytogenetic location: 21q22.3.
Variant type: single nucleotide variant.
Coding change: c.430G>A on transcript NM_006031.6 (MANE Select); coding-DNA position 430, G replaced by A.
Protein change: p.Gly144Arg; replaces glycine 144 with arginine.
Molecular consequence: missense variant.
Genome position (GRCh38, 1-based): chr21:46,334,559, G>A. VCF-style: chr21-46334559-G-A. GRCh37 (hg19) VCF-style: chr21-47754473-G-A.
Other names: c.76G>A, p.Gly26Arg (NM_001315529.2); short protein forms G144R, G26R.
Identifiers: ClinVar variation 1492851 (VCV001492851.6), dbSNP rs761827077, ClinGen allele CA410560226.